The following is an entry in ClinVar:

ClinVar aggregate classification (germline): Likely benign (0 of 4 stars; one submission).

Conditions:
SETX-related disorder. Also called: SETX-related condition; SETX-related disorders. Identifiers: MedGen CN239403.

gnomAD v4.1: 1 of 1,614,232 alleles (0.000062%); highest among the groups gnomAD compares: Non-Finnish European, 0.000085%; no homozygotes.

Submission:

PreventionGenetics, part of Exact Sciences
Classification: Likely benign for SETX-related condition. Last evaluated: 2023-07-28. Review status: no assertion criteria provided. Collection method: clinical testing. Allele origin: germline.
Comment: This variant is classified as likely benign based on ACMG/AMP sequence variant interpretation guidelines (Richards et al. 2015 PMID: 25741868, with internal and published modifications).

NM_015046.7(SETX):c.7989A>G (p.Thr2663=)

Gene: SETX (senataxin; minus strand). Cytogenetic location: 9q34.13.
Variant type: single nucleotide variant.
Coding change: c.7989A>G on transcript NM_015046.7 (MANE Select); coding-DNA position 7989, A replaced by G.
Protein change: p.Thr2663=; no amino-acid change (threonine 2663 retained).
Molecular consequence: synonymous variant.
Genome position (GRCh38, 1-based): chr9:132,264,284, T>C on the plus strand (A>G on the coding strand, the complement: SETX is on the minus strand). VCF-style: chr9-132264284-T-C. GRCh37 (hg19) VCF-style: chr9-135139671-T-C.
Other names: c.7989A>G, p.Thr2663= (NM_001351527.2); c.8076A>G, p.Thr2692= (NM_001351528.2).
Identifiers: ClinVar variation 3349947 (VCV003349947.1).